The following is an entry in ClinVar:

ClinVar aggregate classification (germline): Uncertain significance (1 of 4 stars; one submission).

Conditions:
Paroxysmal nonkinesigenic dyskinesia. Also called: Paroxysmal non-kinesigenic dyskinesia. Identifiers: Orphanet 98810, MedGen C1869117, MONDO:0700088.

gnomAD v4.1: 9 of 1,613,856 alleles (0.00056%); highest among the groups gnomAD compares: East Asian, 0.0045%; no homozygotes.

Submission:

Labcorp Genetics (formerly Invitae), Labcorp
Classification: Uncertain significance for Paroxysmal nonkinesigenic dyskinesia. Last evaluated: 2025-12-04. Review status: criteria provided, single submitter. Criteria: Invitae Variant Classification Sherloc (09022015). Collection method: clinical testing. Allele origin: germline.
Comment: This sequence change replaces serine, which is neutral and polar, with proline, which is neutral and non-polar, at codon 331 of the PNKD protein (p.Ser331Pro). This variant is present in population databases (rs535942439, gnomAD 0.006%). This variant has not been reported in the literature in individuals affected with PNKD-related conditions. Invitae Evidence Modeling of protein sequence and biophysical properties (such as structural, functional, and spatial information, amino acid conservation, physicochemical variation, residue mobility, and thermodynamic stability) indicates that this missense variant is expected to disrupt PNKD protein function with a positive predictive value of 80%. In summary, the available evidence is currently insufficient to determine the role of this variant in disease. Therefore, it has been classified as a Variant of Uncertain Significance.

NM_015488.5(PNKD):c.991T>C (p.Ser331Pro)

Genes: CATIP-AS2 (CATIP antisense RNA 2; minus strand), PNKD (PNKD metallo-beta-lactamase domain containing; plus strand). Cytogenetic location: 2q35.
Variant type: single nucleotide variant.
Coding change: c.991T>C on transcript NM_015488.5 (MANE Select); coding-DNA position 991, T replaced by C.
Protein change: p.Ser331Pro; replaces serine 331 with proline.
Molecular consequence: missense variant.
Genome position (GRCh38, 1-based): chr2:218,344,814, T>C. VCF-style: chr2-218344814-T-C. GRCh37 (hg19) VCF-style: chr2-219209537-T-C.
Other names: c.919T>C, p.Ser307Pro (NM_022572.5); short protein forms S307P, S331P.
Identifiers: ClinVar variation 4797577 (VCV004797577.1).